The following is an entry in ClinVar:

NM_000501.4(ELN):c.478T>C (p.Phe160Leu)

Gene: ELN (elastin; plus strand). Cytogenetic location: 7q11.23.
Variant type: single nucleotide variant.
Coding change: c.478T>C on transcript NM_000501.4 (MANE Select); coding-DNA position 478, T replaced by C.
Protein change: p.Phe160Leu; replaces phenylalanine 160 with leucine.
Molecular consequence: missense variant. On other transcripts: intron variant (1).
Genome position (GRCh38, 1-based): chr7:74,045,230, T>C. VCF-style: chr7-74045230-T-C. GRCh37 (hg19) VCF-style: chr7-73459560-T-C.
Other names: c.478T>C, p.Phe160Leu (NM_001278939.2, NM_001081755.3, NM_001278912.2 and 2 more transcripts); c.439+1310T>C (NM_001278918.2); c.478T>C (NM_000501.2); c.448T>C, p.Phe150Leu (NM_001081752.3, NM_001278917.2); c.493T>C, p.Phe165Leu (NM_001081753.3, NM_001081754.3); c.442T>C, p.Phe148Leu (NM_001278913.2); c.463T>C, p.Phe155Leu (NM_001278914.2); short protein forms F165L, F150L, F155L, F148L, F160L.
Identifiers: ClinVar variation 910090 (VCV000910090.9), dbSNP rs781857513, ClinGen allele CA4292523.

ClinVar aggregate classification (germline): Conflicting classifications of pathogenicity. Review status: criteria provided, conflicting classifications (1 of 4 stars). 4 submissions from 3 submitters: Uncertain significance (3); Likely benign (1). Last evaluated 2024-10-14.

Conditions:
Supravalvar aortic stenosis (SVAS). Also called: Supravalvar aortic stenosis, Eisenberg type. Identifiers: Orphanet 3193, MedGen C0003499, MONDO:0008504, OMIM 185500, HP:0004381.
Cutis laxa, autosomal dominant 1 (ADCL1). Also called: ELN-Related Cutis Laxa. Identifiers: Orphanet 90348, MedGen C3276539, MONDO:0007411, OMIM 123700. Disease mechanism: Dominant Negative.

Allele frequency attached by ClinVar (database versions not stated): gnomAD exomes 0.00002 and 0.00004; ExAC 0.00004; TOPMed 0.00005.

Submissions (4):

GeneDx
Classification: Uncertain significance. Last evaluated: 2024-10-14. Review status: criteria provided, single submitter. Criteria: GeneDx Variant Classification Process June 2021. Collection method: clinical testing. Allele origin: germline. Affected: yes.
Comment: In silico analysis supports that this missense variant has a deleterious effect on protein structure/function; Has not been previously published as pathogenic or benign to our knowledge

Labcorp Genetics (formerly Invitae), Labcorp
Classification: Uncertain significance for Supravalvar aortic stenosis. Last evaluated: 2024-06-13. Review status: criteria provided, single submitter. Criteria: Invitae Variant Classification Sherloc (09022015). Collection method: clinical testing. Allele origin: germline.
Comment: This sequence change replaces phenylalanine, which is neutral and non-polar, with leucine, which is neutral and non-polar, at codon 160 of the ELN protein (p.Phe160Leu). This variant is present in population databases (rs781857513, gnomAD 0.03%). This variant has not been reported in the literature in individuals affected with ELN-related conditions. ClinVar contains an entry for this variant (Variation ID: 910090). Advanced modeling of protein sequence and biophysical properties (such as structural, functional, and spatial information, amino acid conservation, physicochemical variation, residue mobility, and thermodynamic stability) performed at Invitae indicates that this missense variant is not expected to disrupt ELN protein function with a negative predictive value of 80%. In summary, the available evidence is currently insufficient to determine the role of this variant in disease. Therefore, it has been classified as a Variant of Uncertain Significance.

Illumina Laboratory Services, Illumina
Classification: Uncertain significance for Supravalvar aortic stenosis. Last evaluated: 2018-01-13. Review status: criteria provided, single submitter. Criteria: ICSL Variant Classification Criteria 13 December 2019. Collection method: clinical testing. Allele origin: germline.

Illumina Laboratory Services, Illumina
Classification: Likely benign for Cutis laxa, autosomal dominant 1. Last evaluated: 2018-01-13. Review status: criteria provided, single submitter. Criteria: ICSL Variant Classification Criteria 13 December 2019. Collection method: clinical testing. Allele origin: germline.
Comment: This variant was observed in the ICSL laboratory as part of a predisposition screen in an ostensibly healthy population. It had not been previously curated by ICSL or reported in the Human Gene Mutation Database (HGMD: prior to June 1st, 2018), and was therefore a candidate for classification through an automated scoring system. Utilizing variant allele frequency, disease prevalence and penetrance estimates, and inheritance mode, an automated score was calculated to assess if this variant is too frequent to cause the disease. Based on the score and internal cut-off values, a variant classified as likely benign is not then subjected to further curation. The score for this variant resulted in a classification of likely benign for this disease.